The following is an entry in ClinVar:

ClinVar aggregate classification (germline): Likely pathogenic (1 of 4 stars; one submission).

Submission:

Labcorp Genetics (formerly Invitae), Labcorp
Classification: Likely pathogenic. Last evaluated: 2024-02-17. Review status: criteria provided, single submitter. Criteria: Invitae Variant Classification Sherloc (09022015). Collection method: clinical testing. Allele origin: germline.
Comment: This sequence change affects an acceptor splice site in intron 13 of the AAAS gene. It is expected to disrupt RNA splicing. Variants that disrupt the donor or acceptor splice site typically lead to a loss of protein function (PMID: 16199547), and loss-of-function variants in AAAS are known to be pathogenic (PMID: 11159947). This variant is not present in population databases (gnomAD no frequency). This variant has not been reported in the literature in individuals affected with AAAS-related conditions. Algorithms developed to predict the effect of sequence changes on RNA splicing suggest that this variant may disrupt the consensus splice site. In summary, the currently available evidence indicates that the variant is pathogenic, but additional data are needed to prove that conclusively. Therefore, this variant has been classified as Likely Pathogenic.

Literature cited by the submitters: PubMed 16199547; PubMed 11159947.

NM_015665.6(AAAS):c.1250-2A>C

Gene: AAAS (aladin WD repeat nucleoporin; minus strand). Cytogenetic location: 12q13.13.
Variant type: single nucleotide variant.
Coding change: c.1250-2A>C on transcript NM_015665.6 (MANE Select); the canonical splice acceptor site of the intron before coding-DNA position 1250, A replaced by C.
Molecular consequence: splice acceptor variant.
Genome position (GRCh38, 1-based): chr12:53,308,135, T>G on the plus strand (A>C on the coding strand, the complement: AAAS is on the minus strand). VCF-style: chr12-53308135-T-G. GRCh37 (hg19) VCF-style: chr12-53701919-T-G.
Other names: c.1151-2A>C (NM_001173466.2).
Identifiers: ClinVar variation 3641512 (VCV003641512.2).